The following is an entry in ClinVar:

ClinVar aggregate classification (germline): Uncertain significance. Review status: criteria provided, multiple submitters, no conflicts (2 of 4 stars). 2 submissions from 2 submitters: Uncertain significance (2). Last evaluated 2020-08-03.

Conditions:
Spastic paraplegia. Identifiers: MedGen C0037772, HP:0001258.

Submissions (2):

GeneDx
Classification: Uncertain significance. Last evaluated: 2020-08-03. Review status: criteria provided, single submitter. Criteria: GeneDx Variant Classification Process June 2021. Collection method: clinical testing. Allele origin: germline. Affected: yes.
Comment: Has not been previously published as pathogenic or benign to our knowledge; In silico analysis, which includes protein predictors and evolutionary conservation, supports a deleterious effect; Not observed in large population cohorts (Lek et al., 2016)

Labcorp Genetics (formerly Invitae), Labcorp
Classification: Uncertain significance for Spastic paraplegia. Last evaluated: 2017-09-20. Review status: criteria provided, single submitter. Criteria: Invitae Variant Classification Sherloc (09022015). Collection method: clinical testing. Allele origin: germline.
Comment: In summary, the available evidence is currently insufficient to determine the role of this variant in disease. Therefore, it has been classified as a Variant of Uncertain Significance. Algorithms developed to predict the effect of missense changes on protein structure and function (SIFT, PolyPhen-2, Align-GVGD) all suggest that this variant is likely to be disruptive, but these predictions have not been confirmed by published functional studies and their clinical significance is uncertain. This variant has not been reported in the literature in individuals with L1CAM-related disease. This variant is not present in population databases (ExAC no frequency). This sequence change replaces proline with leucine at codon 681 of the L1CAM protein (p.Pro681Leu). The proline residue is highly conserved and there is a moderate physicochemical difference between proline and leucine.

NM_001278116.2(L1CAM):c.2042C>T (p.Pro681Leu)

Gene: L1CAM (L1 cell adhesion molecule; minus strand). Cytogenetic location: Xq28.
Variant type: single nucleotide variant.
Coding change: c.2042C>T on transcript NM_001278116.2 (MANE Select); coding-DNA position 2042, C replaced by T.
Protein change: p.Pro681Leu; replaces proline 681 with leucine.
Molecular consequence: missense variant.
Genome position (GRCh38, 1-based): chrX:153,867,451, G>A on the plus strand (C>T on the coding strand, the complement: L1CAM is on the minus strand). VCF-style: chrX-153867451-G-A. GRCh37 (hg19) VCF-style: chrX-153132906-G-A.
Other names: c.2042C>T, p.Pro681Leu (NM_000425.5, NM_024003.3); c.2027C>T, p.Pro676Leu (NM_001143963.2); short protein forms P681L, P676L.
Identifiers: ClinVar variation 527989 (VCV000527989.10), dbSNP rs1557091354, ClinGen allele CA415121847.
Genomic context (GRCh38, chrX:153,867,451, plus strand): 5'-CTGGGCTCCCCGGGGCCATATTTGTTTATGGCAGTAACCCTAAAGGTGTAGTGGACATAG[G>A]GCGACAGCTTGAGGGTGGTAGAGGTCTGGTTCCCTGGAACCTTGCCCAGACTGTACCATT-3'
Protein context (NP_001265045.1, residues 671-691): NQTSTTLKLS[Pro681Leu]YVHYTFRVTA